The following is an entry in ClinVar:

NM_018474.6(KIZ):c.1678+2T>C

Genes: KIZ (kizuna centrosomal protein; plus strand), KIZ-AS1 (KIZ antisense RNA 1; minus strand). Cytogenetic location: 20p11.23.
Variant type: single nucleotide variant.
Coding change: c.1678+2T>C on transcript NM_018474.6 (MANE Select); the canonical splice donor site of the intron after coding-DNA position 1678, T replaced by C.
Molecular consequence: splice donor variant.
Genome position (GRCh38, 1-based): chr20:21,215,650, T>C. VCF-style: chr20-21215650-T-C. GRCh37 (hg19) VCF-style: chr20-21196288-T-C.
Other names: c.1531+2T>C (NM_001276389.2); c.1336+2T>C (NM_001352436.2); c.1624+2T>C (NM_001352434.2); c.1369+2T>C (NM_001163022.3); c.1315+2T>C (NM_001352435.2); c.1279+2T>C (NM_001163023.3).
Identifiers: ClinVar variation 939337 (VCV000939337.9), dbSNP rs754547088, ClinGen allele CA9784940.

ClinVar aggregate classification (germline): Likely pathogenic (1 of 4 stars; one submission).

Allele frequency attached by ClinVar (database versions not stated): ExAC 0.00001; gnomAD 0.00001; gnomAD exomes 0.00001; TOPMed 0.00002.
gnomAD v4.1: 11 of 1,592,426 alleles (0.00069%); highest among the groups gnomAD compares: Middle Eastern, 0.017%; no homozygotes.

Submissions (2):

Labcorp Genetics (formerly Invitae), Labcorp
Classification: Likely pathogenic. Last evaluated: 2025-02-04. Review status: criteria provided, single submitter. Criteria: Invitae Variant Classification Sherloc (09022015). Collection method: clinical testing. Allele origin: germline.
Comment: This sequence change affects a donor splice site in intron 9 of the KIZ gene. It is expected to disrupt RNA splicing. Variants that disrupt the donor or acceptor splice site typically lead to a loss of protein function (PMID: 16199547), and loss-of-function variants in KIZ are known to be pathogenic (PMID: 24680887, 29057815). This variant is present in population databases (rs754547088, gnomAD 0.002%). This variant has not been reported in the literature in individuals affected with KIZ-related conditions. ClinVar contains an entry for this variant (Variation ID: 939337). Algorithms developed to predict the effect of sequence changes on RNA splicing suggest that this variant may disrupt the consensus splice site. In summary, the currently available evidence indicates that the variant is pathogenic, but additional data are needed to prove that conclusively. Therefore, this variant has been classified as Likely Pathogenic.

Dr. Peter K. Rogan Lab, Western University
No classification provided (evidence only). Condition: Adrenocortical carcinoma, hereditary. Review status: no classification provided. Collection method: in vitro. Allele origin: not applicable. Functional consequence: skipped exon. Not counted in ClinVar's aggregate classification.

Literature cited by the submitters: PubMed 16199547 (cited by Labcorp Genetics (formerly Invitae), Labcorp); PubMed 24680887 (cited by Labcorp Genetics (formerly Invitae), Labcorp); PubMed 29057815 (cited by Labcorp Genetics (formerly Invitae), Labcorp).